The following is an entry in ClinVar:

ClinVar aggregate classification (germline): Uncertain significance. Review status: criteria provided, multiple submitters, no conflicts (2 of 4 stars). 2 submissions from 2 submitters: Uncertain significance (2). Last evaluated 2025-09-28.

Conditions:
Inborn genetic diseases. Identifiers: MedGen C0950123, MeSH D030342.

Allele frequency attached by ClinVar (database versions not stated): ExAC 0.00002; TOPMed 0.00002; gnomAD 0.00003.
gnomAD v4.1: 17 of 1,613,926 alleles (0.0011%); highest among the groups gnomAD compares: South Asian, 0.0066%; no homozygotes.

Submissions (2):

Labcorp Genetics (formerly Invitae), Labcorp
Classification: Uncertain significance. Last evaluated: 2025-09-28. Review status: criteria provided, single submitter. Criteria: Invitae Variant Classification Sherloc (09022015). Collection method: clinical testing. Allele origin: germline.
Comment: This sequence change replaces arginine, which is basic and polar, with threonine, which is neutral and polar, at codon 78 of the P4HB protein (p.Arg78Thr). This variant is present in population databases (rs377276762, gnomAD 0.01%). This variant has not been reported in the literature in individuals affected with P4HB-related conditions. ClinVar contains an entry for this variant (Variation ID: 2314928). Invitae Evidence Modeling of protein sequence and biophysical properties (such as structural, functional, and spatial information, amino acid conservation, physicochemical variation, residue mobility, and thermodynamic stability) indicates that this missense variant is not expected to disrupt P4HB protein function with a negative predictive value of 80%. In summary, the available evidence is currently insufficient to determine the role of this variant in disease. Therefore, it has been classified as a Variant of Uncertain Significance.

Ambry Genetics
Classification: Uncertain significance for Inborn genetic diseases. Last evaluated: 2024-11-26. Review status: criteria provided, single submitter. Criteria: Ambry Variant Classification Scheme 2023. Collection method: clinical testing. Allele origin: germline.

NM_000918.4(P4HB):c.233G>C (p.Arg78Thr)

Gene: P4HB (prolyl 4-hydroxylase subunit beta; minus strand). Cytogenetic location: 17q25.3.
Variant type: single nucleotide variant.
Coding change: c.233G>C on transcript NM_000918.4 (MANE Select); coding-DNA position 233, G replaced by C.
Protein change: p.Arg78Thr; replaces arginine 78 with threonine.
Molecular consequence: missense variant.
Genome position (GRCh38, 1-based): chr17:81,859,300, C>G on the plus strand (G>C on the coding strand, the complement: P4HB is on the minus strand). VCF-style: chr17-81859300-C-G. GRCh37 (hg19) VCF-style: chr17-79817176-C-G.
Other names: short protein forms R78T.
Identifiers: ClinVar variation 2314928 (VCV002314928.4), dbSNP rs377276762, ClinGen allele CA8843046.